The following is an entry in ClinVar:

NM_004727.3(SLC24A1):c.539C>G (p.Thr180Ser)

Gene: SLC24A1 (solute carrier family 24 member 1; plus strand). Cytogenetic location: 15q22.31.
Variant type: single nucleotide variant.
Coding change: c.539C>G on transcript NM_004727.3 (MANE Select); coding-DNA position 539, C replaced by G.
Protein change: p.Thr180Ser; replaces threonine 180 with serine.
Molecular consequence: missense variant.
Genome position (GRCh38, 1-based): chr15:65,624,619, C>G. VCF-style: chr15-65624619-C-G. GRCh37 (hg19) VCF-style: chr15-65916957-C-G.
Other names: c.539C>G, p.Thr180Ser (NM_001301031.1, NM_001301032.1, NM_001301033.2); short protein forms T180S.
Identifiers: ClinVar variation 1463293 (VCV001463293.5), dbSNP rs1275712201, ClinGen allele CA392914131.

ClinVar aggregate classification (germline): Uncertain significance (1 of 4 stars; one submission).

gnomAD v4.1: 6 of 1,594,166 alleles (0.00038%); highest among the groups gnomAD compares: Non-Finnish European, 0.00051%; no homozygotes.

Submission:

Labcorp Genetics (formerly Invitae), Labcorp
Classification: Uncertain significance. Last evaluated: 2022-06-20. Review status: criteria provided, single submitter. Criteria: Invitae Variant Classification Sherloc (09022015). Collection method: clinical testing. Allele origin: germline.
Comment: This sequence change replaces threonine, which is neutral and polar, with serine, which is neutral and polar, at codon 180 of the SLC24A1 protein (p.Thr180Ser). This variant is not present in population databases (gnomAD no frequency). This variant has not been reported in the literature in individuals affected with SLC24A1-related conditions. Algorithms developed to predict the effect of missense changes on protein structure and function output the following: SIFT: "Deleterious"; PolyPhen-2: "Benign"; Align-GVGD: "Class C0". The serine amino acid residue is found in multiple mammalian species, which suggests that this missense change does not adversely affect protein function. In summary, the available evidence is currently insufficient to determine the role of this variant in disease. Therefore, it has been classified as a Variant of Uncertain Significance.